The following is an entry in ClinVar:

ClinVar aggregate classification (germline): Benign. Review status: reviewed by expert panel (3 of 4 stars). 3 submissions from 3 submitters: Benign (1). 2 of the submissions do not count toward it. Last evaluated 2023-06-20.

Conditions:
Angelman syndrome-like. Identifiers: MedGen CN128785.
Developmental and epileptic encephalopathy, 2 (DEE2). Also called: INFANTILE SPASM SYNDROME, X-LINKED 2; CDKL5 deficiency disorder. Identifiers: Orphanet 1934, Orphanet 3451, Orphanet 505652, MedGen C4750718, MONDO:0010396, OMIM 300672.
CDKL5 disorder. Identifiers: MedGen CN296942, MONDO:0100039.

Allele frequency attached by ClinVar (database versions not stated): gnomAD exomes 0.00001; gnomAD 0.00005 and 0.00006; TOPMed 0.00005.
gnomAD v4.1: 17 of 1,196,462 alleles (0.0014%); highest among the groups gnomAD compares: African/African-American, 0.0053%; no homozygotes.

Submissions (3):

ClinGen Rett and Angelman-like Disorders Variant Curation Expert Panel
Classification: Benign for CDKL5 disorder. Last evaluated: 2023-06-20. Review status: reviewed by expert panel. Criteria: ClinGen RettAS ACMG Specifications CDKL5 V3.0.0. Collection method: curation. Allele origin: germline. Inheritance: X-linked inheritance.
Comment: The c.761A>G p.His254Arg variant in CDKL5 (NM_001323289.2) is present in 1 XX and 2 XY individuals in gnomAD (0.0036% in the Latino/Admixed American sub population) (not sufficient to meet BS1 criteria). The p.His254Arg variant is observed in at least 2 unaffected individuals (GeneDx internal data) (BS2). The p.His254Arg variant is found in at least 3 patients with an alternate molecular basis of disease (GeneDx internal data) (BP5_Strong). Computational prediction analysis tools are inconclusive for this variant (no criteria met). In summary, the c.761A>G p.His254Arg variant in CDKL5 is classified as Benign based on the ACMG/AMP criteria (BS2, BP5_Strong).

Labcorp Genetics (formerly Invitae), Labcorp
Classification: Likely benign for Developmental and epileptic encephalopathy, 2; Angelman syndrome-like. Last evaluated: 2025-02-02. Review status: criteria provided, single submitter. Criteria: Invitae Variant Classification Sherloc (09022015). Collection method: clinical testing. Allele origin: germline. Not counted in ClinVar's aggregate classification.

GeneDx
Classification: Likely benign. Last evaluated: 2020-06-22. Review status: criteria provided, single submitter. Criteria: GeneDx Variant Classification Process June 2021. Collection method: clinical testing. Allele origin: germline. Affected: yes. Not counted in ClinVar's aggregate classification.

NM_001323289.2(CDKL5):c.761A>G (p.His254Arg)

Gene: CDKL5 (cyclin dependent kinase like 5; plus strand). Cytogenetic location: Xp22.13.
Variant type: single nucleotide variant.
Coding change: c.761A>G on transcript NM_001323289.2 (MANE Select); coding-DNA position 761, A replaced by G.
Protein change: p.His254Arg; replaces histidine 254 with arginine.
Molecular consequence: missense variant.
Genome position (GRCh38, 1-based): chrX:18,595,364, A>G. VCF-style: chrX-18595364-A-G. GRCh37 (hg19) VCF-style: chrX-18613484-A-G.
Other names: NM_001323289.2(CDKL5):c.761A>G; p.His254Arg; c.761A>G, p.His254Arg (NM_001037343.2, NM_003159.3); short protein forms H254R.
Identifiers: ClinVar variation 1051353 (VCV001051353.12), dbSNP rs1481627825, ClinGen allele CA412354904.